The following is an entry in ClinVar:

NM_002907.4(RECQL):c.807G>T (p.Leu269Phe)

Gene: RECQL (RecQ like helicase; minus strand). Cytogenetic location: 12p12.1.
Variant type: single nucleotide variant.
Coding change: c.807G>T on transcript NM_002907.4 (MANE Select); coding-DNA position 807, G replaced by T.
Protein change: p.Leu269Phe; replaces leucine 269 with phenylalanine.
Molecular consequence: missense variant.
Genome position (GRCh38, 1-based): chr12:21,477,863, C>A on the plus strand (G>T on the coding strand, the complement: RECQL is on the minus strand). VCF-style: chr12-21477863-C-A. GRCh37 (hg19) VCF-style: chr12-21630797-C-A.
Other names: c.807G>T, p.Leu269Phe (NM_032941.3); short protein forms L269F.
Identifiers: ClinVar variation 1761906 (VCV001761906.2), dbSNP rs2137350333, ClinGen allele CA384124399.

ClinVar aggregate classification (germline): Uncertain significance (1 of 4 stars; one submission).

Submission:

Ambry Genetics
Classification: Uncertain significance. Last evaluated: 2021-11-14. Review status: criteria provided, single submitter. Criteria: Ambry Variant Classification Scheme 2023. Collection method: clinical testing. Allele origin: germline.
Comment: The p.L269F variant (also known as c.807G>T), located in coding exon 6 of the RECQL gene, results from a G to T substitution at nucleotide position 807. The leucine at codon 269 is replaced by phenylalanine, an amino acid with highly similar properties. This amino acid position is conserved. In addition, this alteration is predicted to be deleterious by in silico analysis. Since supporting evidence is limited at this time, the clinical significance of this alteration remains unclear.